The following is an entry in ClinVar:

NM_007294.4(BRCA1):c.5550G>C (p.Leu1850=)

Gene: BRCA1 (BRCA1 DNA repair associated; minus strand). Cytogenetic location: 17q21.31.
Variant type: single nucleotide variant.
Coding change: c.5550G>C on transcript NM_007294.4 (MANE Select); coding-DNA position 5550, G replaced by C.
Protein change: p.Leu1850=; no amino-acid change (leucine 1850 retained).
Molecular consequence: synonymous variant. On other transcripts: 3 prime UTR variant (17).
Genome position (GRCh38, 1-based): chr17:43,045,720, C>G on the plus strand (G>C on the coding strand, the complement: BRCA1 is on the minus strand). VCF-style: chr17-43045720-C-G. GRCh37 (hg19) VCF-style: chr17-41197737-C-G.
Other names: c.5337G>C, p.Leu1779= (NM_001407571.1, NM_001407894.1, NM_001407895.1 and 12 more transcripts); c.5616G>C, p.Leu1872= (NM_001407581.1, NM_001407582.1); c.5613G>C, p.Leu1871= (NM_001407583.1, NM_001407585.1, NM_001407587.1 and 1 more transcripts); c.5610G>C, p.Leu1870= (NM_001407590.1, NM_001407591.1); c.5550G>C, p.Leu1850= (NM_001407593.1, NM_001407594.1, NM_001407596.1 and 5 more transcripts); c.5547G>C, p.Leu1849= (NM_001407610.1, NM_001407611.1, NM_001407612.1 and 14 more transcripts); c.5544G>C, p.Leu1848= (NM_001407627.1, NM_001407628.1, NM_001407629.1 and 13 more transcripts); c.5541G>C, p.Leu1847= (NM_001407644.1, NM_001407645.1); and 74 more.
Identifiers: ClinVar variation 184500 (VCV000184500.32), dbSNP rs786201502, ClinGen allele CA003709.

ClinVar aggregate classification (germline): Likely benign. Review status: reviewed by expert panel (3 of 4 stars). 10 submissions from 10 submitters: Likely benign (1). 9 of the submissions do not count toward it. Last evaluated 2017-06-29.

Conditions:
Hereditary cancer-predisposing syndrome. Also called: Hereditary Cancer Syndrome; Hereditary neoplastic syndrome; Tumor predisposition; Neoplastic Syndromes, Hereditary. Identifiers: Orphanet 140162, MedGen C0027672, MeSH D009386, MONDO:0015356.
Hereditary breast ovarian cancer syndrome. Also called: Hereditary breast and ovarian cancer syndrome; Hereditary breast and ovarian cancer syndrome (HBOC); BRCA1- and BRCA2-Associated Hereditary Breast and Ovarian Cancer; Breast and ovarian cancer; Hereditary breast and ovarian cancer; Hereditary breast and/or ovarian cancer syndrome. Identifiers: Orphanet 145, MedGen C0677776, MeSH D061325, MONDO:0003582. Disease mechanism: loss of function.
Breast-ovarian cancer, familial, susceptibility to, 1 (BROVCA1). Also called: OVARIAN CANCER, SUSCEPTIBILITY TO; BRCA1 Hereditary Breast and Ovarian Cancer. Identifiers: Orphanet 145, MedGen C2676676, MONDO:0011450, OMIM 604370. Disease mechanism: loss of function.

Allele frequency attached by ClinVar (database versions not stated): gnomAD exomes 0.00001 and 0.00003; TOPMed 0.00001.
gnomAD v4.1: 38 of 1,613,880 alleles (0.0024%); highest among the groups gnomAD compares: Non-Finnish European, 0.0031%; no homozygotes.

Submissions (11):

Evidence-based Network for the Interpretation of Germline Mutant Alleles (ENIGMA)
Classification: Likely benign for Breast-ovarian cancer, familial, susceptibility to, 1. Last evaluated: 2017-06-29. Review status: reviewed by expert panel. Criteria: ENIGMA BRCA1/2 Classification Criteria (2017-06-29). Collection method: curation. Allele origin: germline.
Comment: Synonymous substitution variant, with low bioinformatic likelihood to result in a splicing aberration (Splicing prior probability 0.02).

Labcorp Genetics (formerly Invitae), Labcorp
Classification: Likely benign for Hereditary breast ovarian cancer syndrome. Last evaluated: 2026-01-24. Review status: criteria provided, single submitter. Criteria: Invitae Variant Classification Sherloc (09022015). Collection method: clinical testing. Allele origin: germline. Not counted in ClinVar's aggregate classification.

Women's Health and Genetics/Laboratory Corporation of America, LabCorp
Classification: Likely benign. Last evaluated: 2026-01-04. Review status: criteria provided, single submitter. Criteria: LabCorp Variant Classification Summary - May 2015. Collection method: clinical testing. Allele origin: germline. Not counted in ClinVar's aggregate classification.
Comment: Variant summary: BRCA1 c.5550G>C alters a conserved nucleotide resulting in a synonymous change. Consensus agreement among computation tools predict no significant impact on normal splicing. However, these predictions have yet to be confirmed by functional studies. The variant allele was found at a frequency of 1.2e-05 in 250818 control chromosomes. The available data on variant occurrences in the general population are insufficient to allow any conclusion about variant significance. To our knowledge, no occurrence of c.5550G>C in individuals affected with BRCA1-related conditions has been reported. At least one functional study reports experimental evidence evaluating an impact on protein function and showed no damaging effect of this variant on homology directed repair (HDR) activity (e.g. Findlay_2018). HDR assays qualify as a recognized gold standard on the basis of updated guidance provided by the ClinGen Sequence Variant Interpretation (SVI) working group. The following publication has been ascertained in the context of this evaluation (PMID: 30209399). ClinVar contains an entry for this variant (Variation ID: 184500). Based on the evidence outlined above, the variant was classified as likely benign.

All of Us Research Program, National Institutes of Health
Classification: Likely benign for Breast-ovarian cancer, familial, susceptibility to, 1. Last evaluated: 2023-12-13. Review status: criteria provided, single submitter. Criteria: ACMG Guidelines, 2015. Collection method: clinical testing. Allele origin: germline. Inheritance: Autosomal dominant inheritance. Observed: 1 variant allele, 1 heterozygote. Not counted in ClinVar's aggregate classification.
Comment: This study involves interpretation of variants in research participants for the purpose of population health screening. Participant phenotype was not available at the time of variant classification. Additional details can be found in publication PMID: 35346344, PMCID: PMC8962531

Quest Diagnostics Nichols Institute San Juan Capistrano
Classification: Likely benign. Last evaluated: 2023-07-25. Review status: criteria provided, single submitter. Criteria: Quest Diagnostics criteria. Collection method: clinical testing. Allele origin: unknown. Not counted in ClinVar's aggregate classification.

Sema4
Classification: Likely benign for Hereditary cancer-predisposing syndrome. Last evaluated: 2021-12-17. Review status: criteria provided, single submitter. Criteria: Sema4 Curation Guidelines. Collection method: curation. Allele origin: germline. Not counted in ClinVar's aggregate classification.

Color Diagnostics, LLC DBA Color Health
Classification: Likely benign for Hereditary cancer-predisposing syndrome. Last evaluated: 2017-11-16. Review status: criteria provided, single submitter. Criteria: ACMG Guidelines, 2015. Collection method: clinical testing. Allele origin: germline. Not counted in ClinVar's aggregate classification.

GeneDx
Classification: Benign. Last evaluated: 2015-07-06. Review status: criteria provided, single submitter. Criteria: GeneDx Variant Classification Process June 2021. Collection method: clinical testing. Allele origin: germline. Affected: yes. Not counted in ClinVar's aggregate classification.
Comment: This variant is associated with the following publications: (PMID: 30209399)

Ambry Genetics
Classification: Likely benign for Hereditary cancer-predisposing syndrome. Last evaluated: 2015-07-02. Review status: criteria provided, single submitter. Criteria: Ambry Variant Classification Scheme 2023. Collection method: clinical testing. Allele origin: germline. Not counted in ClinVar's aggregate classification.

Counsyl
Classification: Likely benign for Breast-ovarian cancer, familial, susceptibility to, 1. Last evaluated: 2017-05-26. Review status: no assertion criteria provided. Collection method: clinical testing. Allele origin: unknown. Not counted in ClinVar's aggregate classification.

Brotman Baty Institute, University of Washington
No classification provided (evidence only). Condition: Breast-ovarian cancer, familial 1. Review status: no classification provided. Collection method: in vitro. Allele origin: not applicable. Functional consequence: functionally_normal. Not counted in ClinVar's aggregate classification.
ClinVar note: "not provided" was previously submitted as the classification for the variant. However, the classification appeared to be based only on an observation of functional data so it was converted to no classification on 2025-07-30.

Literature cited by the submitters: PubMed 30209399 (cited by Women's Health and Genetics/Laboratory Corporation of America, LabCorp and Quest Diagnostics Nichols Institute San Juan Capistrano).